The following is an entry in ClinVar:

ClinVar aggregate classification (germline): Pathogenic (1 of 4 stars; one submission).

Conditions:
Hereditary nonpolyposis colorectal neoplasms. Identifiers: MedGen C0009405, MeSH D003123.

Submission:

Labcorp Genetics (formerly Invitae), Labcorp
Classification: Pathogenic for Hereditary nonpolyposis colorectal neoplasms. Last evaluated: 2024-04-10. Review status: criteria provided, single submitter. Criteria: Invitae Variant Classification Sherloc (09022015). Collection method: clinical testing. Allele origin: germline.
Comment: This sequence change creates a premature translational stop signal (p.Ala1228Glufs*12) in the MSH6 gene. It is expected to result in an absent or disrupted protein product. Loss-of-function variants in MSH6 are known to be pathogenic (PMID: 18269114, 24362816). This variant is not present in population databases (gnomAD no frequency). This variant has not been reported in the literature in individuals affected with MSH6-related conditions. For these reasons, this variant has been classified as Pathogenic.

Literature cited by the submitters: PubMed 18269114; PubMed 24362816.

NM_000179.3(MSH6):c.3683del (p.Ala1228fs)

Gene: MSH6 (mutS homolog 6; plus strand). Cytogenetic location: 2p16.3.
Variant type: Deletion.
Coding change: c.3683del on transcript NM_000179.3 (MANE Select); coding-DNA position 3683, one base deleted (C; older notation c.3683delC).
Protein change: p.Ala1228fs; shifts the reading frame from alanine 1228.
Molecular consequence: frameshift variant. On other transcripts: non-coding transcript variant (5).
Genome position (GRCh38, 1-based): chr2:47,806,240, C deleted. VCF-style (leftmost placement, unchanged base first): chr2-47806239-GC-G. GRCh37 (hg19) VCF-style: chr2-48033378-GC-G.
Other names: c.3779del, p.Ala1260fs (NM_001406795.1, NM_001406802.1); c.3683del, p.Ala1228fs (NM_001406796.1, NM_001406800.1, NM_001406808.1 and 1 more transcripts); c.3386del, p.Ala1129fs (NM_001406797.1, NM_001406801.1, NM_001406805.1 and 10 more transcripts); c.3509del, p.Ala1170fs (NM_001406798.1); c.3158del, p.Ala1053fs (NM_001406799.1, NM_001406806.1, NM_001406807.1); c.2819del, p.Ala940fs (NM_001406803.1); c.3605del, p.Ala1202fs (NM_001406804.1); c.2777del, p.Ala926fs (NM_001406811.1, NM_001406812.1, NM_001281493.2 and 6 more transcripts); and 7 more; short protein forms A1098fs, A1202fs, A543fs, A940fs, A1053fs, A706fs, A926fs, A1129fs.
Identifiers: ClinVar variation 2853558 (VCV002853558.3), dbSNP rs2530839305, ClinGen allele CA2739274375.
Genomic context (GRCh38, chr2:47,806,239, plus strand): 5'-CCTTATGCATATTTTACTTTAACAGGAAGAGGTACTGCAACATTTGATGGGACGGCAATA[GC>G]AAATGCAGTTGTTAAAGAACTTGCTGAGACTATAAAATGTCGTACATTATTTTCAACTCA-3'